The following is an entry in ClinVar:

NM_001367561.1(DOCK7):c.3343G>C (p.Val1115Leu)

Gene: DOCK7 (dedicator of cytokinesis 7; minus strand). Cytogenetic location: 1p31.3.
Variant type: single nucleotide variant.
Coding change: c.3343G>C on transcript NM_001367561.1 (MANE Select); coding-DNA position 3343, G replaced by C.
Protein change: p.Val1115Leu; replaces valine 1115 with leucine.
Molecular consequence: missense variant.
Genome position (GRCh38, 1-based): chr1:62,538,019, C>G on the plus strand (G>C on the coding strand, the complement: DOCK7 is on the minus strand). VCF-style: chr1-62538019-C-G. GRCh37 (hg19) VCF-style: chr1-63003690-C-G.
Other names: c.3343G>C, p.Val1115Leu (NM_001271999.2, NM_001330614.2); c.3250G>C, p.Val1084Leu (NM_001272000.2, NM_001272001.2, NM_033407.4); short protein forms V1115L, V1084L.
Identifiers: ClinVar variation 541916 (VCV000541916.9), dbSNP rs1553165194, ClinGen allele CA340607438.

ClinVar aggregate classification (germline): Uncertain significance (1 of 4 stars; one submission).

Conditions:
Developmental and epileptic encephalopathy, 23 (DEE23). Also called: Epileptic encephalopathy, early infantile, 23. Identifiers: Orphanet 411986, MedGen C4014492, MONDO:0014371, OMIM 615859.

Allele frequency attached by ClinVar (database versions not stated): gnomAD exomes below 0.00001.
gnomAD v4.1: 1 of 1,613,910 alleles (0.000062%); highest among the groups gnomAD compares: Non-Finnish European, 0.000085%; no homozygotes.

Submission:

Labcorp Genetics (formerly Invitae), Labcorp
Classification: Uncertain significance for Developmental and epileptic encephalopathy, 23. Last evaluated: 2017-10-30. Review status: criteria provided, single submitter. Criteria: Invitae Variant Classification Sherloc (09022015). Collection method: clinical testing. Allele origin: germline.
Comment: This variant is not present in population databases (ExAC no frequency). This variant has not been reported in the literature in individuals with DOCK7-related disease. Algorithms developed to predict the effect of missense changes on protein structure and function output the following: SIFT: "Tolerated"; PolyPhen-2: "Benign"; Align-GVGD: "Class C0". The leucine amino acid residue is found in multiple mammalian species, suggesting that this missense change does not adversely affect protein function. These predictions have not been confirmed by published functional studies and their clinical significance is uncertain. In summary, the available evidence is currently insufficient to determine the role of this variant in disease. Therefore, it has been classified as a Variant of Uncertain Significance. This sequence change replaces valine with leucine at codon 1115 of the DOCK7 protein (p.Val1115Leu). The valine residue is moderately conserved and there is a small physicochemical difference between valine and leucine.